The following is an entry in ClinVar:

NM_002693.3(POLG):c.1342G>T (p.Ala448Ser)

Gene: POLG (DNA polymerase gamma, catalytic subunit; minus strand). Cytogenetic location: 15q26.1.
Variant type: single nucleotide variant.
Coding change: c.1342G>T on transcript NM_002693.3 (MANE Select); coding-DNA position 1342, G replaced by T.
Protein change: p.Ala448Ser; replaces alanine 448 with serine.
Molecular consequence: missense variant.
Genome position (GRCh38, 1-based): chr15:89,327,258, C>A on the plus strand (G>T on the coding strand, the complement: POLG is on the minus strand). VCF-style: chr15-89327258-C-A. GRCh37 (hg19) VCF-style: chr15-89870489-C-A.
Other names: c.1342G>T, p.Ala448Ser (NM_001126131.2); short protein forms A448S.
Identifiers: ClinVar variation 4739062 (VCV004739062.1).
Genomic context (GRCh38, chr15:89,327,258, plus strand): 5'-TGGCCAGATCCATCAACGACTTCTTCATCTCCCGCTGGAGCTCCTCATAAGTGCCCTGTG[C>A]CTCTGCCAGGTAACGCTCCCAGTTCTGGTTGACAGGCAGGTAGGAGACACCCATCTCCAG-3'
Protein context (NP_002684.1, residues 438-458): NQNWERYLAE[Ala448Ser]QGTYEELQRE

ClinVar aggregate classification (germline): Uncertain significance (1 of 4 stars; one submission).

Conditions:
Progressive sclerosing poliodystrophy (MTDPS4A). Also called: Mitochondrial DNA depletion syndrome 4A (Alpers type); ALPERS PROGRESSIVE INFANTILE POLIODYSTROPHY; NEURONAL DEGENERATION OF CHILDHOOD WITH LIVER DISEASE, PROGRESSIVE; Alpers Syndrome; ALPERS DIFFUSE DEGENERATION OF CEREBRAL GRAY MATTER WITH HEPATIC CIRRHOSIS; Alpers-Huttenlocher Syndrome. Identifiers: Orphanet 726, MedGen C0205710, MONDO:0008758, OMIM 203700.

Submission:

Labcorp Genetics (formerly Invitae), Labcorp
Classification: Uncertain significance for Progressive sclerosing poliodystrophy. Last evaluated: 2025-07-06. Review status: criteria provided, single submitter. Criteria: Invitae Variant Classification Sherloc (09022015). Collection method: clinical testing. Allele origin: germline.
Comment: This sequence change replaces alanine, which is neutral and non-polar, with serine, which is neutral and polar, at codon 448 of the POLG protein (p.Ala448Ser). This variant is not present in population databases (gnomAD no frequency). This variant has not been reported in the literature in individuals affected with POLG-related conditions. Invitae Evidence Modeling of protein sequence and biophysical properties (such as structural, functional, and spatial information, amino acid conservation, physicochemical variation, residue mobility, and thermodynamic stability) indicates that this missense variant is not expected to disrupt POLG protein function with a negative predictive value of 95%. In summary, the available evidence is currently insufficient to determine the role of this variant in disease. Therefore, it has been classified as a Variant of Uncertain Significance.